The following is an entry in ClinVar:

ClinVar aggregate classification (germline): Likely benign. Review status: criteria provided, multiple submitters, no conflicts (2 of 4 stars). 3 submissions from 3 submitters: Likely benign (3). Last evaluated 2026-01-01.

Conditions:
Inborn genetic diseases. Identifiers: MedGen C0950123, MeSH D030342.

gnomAD v4.1: 98 of 1,600,184 alleles (0.0061%); highest among the groups gnomAD compares: Non-Finnish European, 0.0078%; no homozygotes.

Submissions (3):

CeGaT Center for Human Genetics Tuebingen
Classification: Likely benign. Last evaluated: 2026-01-01. Review status: criteria provided, single submitter. Criteria: CeGaT Center For Human Genetics Tuebingen Variant Classification Criteria Version 2. Collection method: clinical testing. Allele origin: germline. Affected: yes. Observed: 1 variant allele.
Comment: PRR12: BS2

Ambry Genetics
Classification: Likely benign for Inborn genetic diseases. Last evaluated: 2025-05-23. Review status: criteria provided, single submitter. Criteria: Ambry Variant Classification Scheme 2023. Collection method: clinical testing. Allele origin: germline.

Laboratory of Genetics, Children's Clinical University Hospital Latvia
Classification: Likely benign. Last evaluated: 2025-02-16. Review status: criteria provided, single submitter. Criteria: ACMG Guidelines, 2015. Collection method: clinical testing. Allele origin: germline. Affected: yes.

NM_020719.3(PRR12):c.2470C>T (p.Leu824Phe)

Gene: PRR12 (proline rich 12; plus strand). Cytogenetic location: 19q13.33.
Variant type: single nucleotide variant.
Coding change: c.2470C>T on transcript NM_020719.3 (MANE Select); coding-DNA position 2470, C replaced by T.
Protein change: p.Leu824Phe; replaces leucine 824 with phenylalanine.
Molecular consequence: missense variant.
Genome position (GRCh38, 1-based): chr19:49,596,805, C>T. VCF-style: chr19-49596805-C-T. GRCh37 (hg19) VCF-style: chr19-50100062-C-T.
Other names: c.2470C>T (NM_020719.1); short protein forms L824F.
Identifiers: ClinVar variation 3911423 (VCV003911423.6).